The following is an entry in ClinVar:

ClinVar aggregate classification (germline): Uncertain significance (1 of 4 stars; one submission).

Conditions:
Congenital disorder of glycosylation type Ir (CDG1R). Also called: DDOST-congenital disorder of glycosylation. Identifiers: Orphanet 300536, MedGen C3281084, MONDO:0013789, OMIM 614507.

Submission:

Labcorp Genetics (formerly Invitae), Labcorp
Classification: Uncertain significance for Congenital disorder of glycosylation type Ir. Last evaluated: 2024-03-22. Review status: criteria provided, single submitter. Criteria: Invitae Variant Classification Sherloc (09022015). Collection method: clinical testing. Allele origin: germline.
Comment: This sequence change replaces leucine, which is neutral and non-polar, with isoleucine, which is neutral and non-polar, at codon 247 of the DDOST protein (p.Leu247Ile). Information on the frequency of this variant in the gnomAD database is not available, as this variant may be reported differently in the database. This variant has not been reported in the literature in individuals affected with DDOST-related conditions. Experimental studies and prediction algorithms are not available or were not evaluated, and the functional significance of this variant is currently unknown. In summary, the available evidence is currently insufficient to determine the role of this variant in disease. Therefore, it has been classified as a Variant of Uncertain Significance.

NM_005216.5(DDOST):c.687_688delinsAA (p.Leu230Ile)

Gene: DDOST (dolichyl-diphosphooligosaccharide--protein glycosyltransferase non-catalytic subunit; minus strand). Cytogenetic location: 1p36.12.
Variant type: Indel.
Coding change: c.687_688delinsAA on transcript NM_005216.5 (MANE Select); coding-DNA positions 687 to 688, GC replaced by AA.
Protein change: p.Leu230Ile; replaces leucine 230 with isoleucine.
Molecular consequence: missense variant.
Genome position (GRCh38, 1-based): chr1:20,654,329-20,654,330, GC replaced by TT on the plus strand (GC replaced by AA on the coding strand, the reverse complement: DDOST is on the minus strand). VCF-style: chr1-20654329-GC-TT. GRCh37 (hg19) VCF-style: chr1-20980822-GC-TT.
Other names: short protein forms L230I.
Identifiers: ClinVar variation 2970110 (VCV002970110.3), dbSNP rs2545275303, ClinGen allele CA2740090614.
Genomic context (GRCh38, chr1:20,654,329, plus strand): 5'-AGTCGCTGAAGAAGTCGAGGGAGCCGCTGAAGATGACGCGGGCATTGTTCCTGGCCTGGA[GC>TT]CCAGCAATGAGGAGGGTGTTCTTCCCCACCGCATGTGGATACTGGGAACAAAACGAGGCT-3'
Protein context (NP_005207.3, residues 220-240): VGKNTLLIAG[Leu230Ile]QARNNARVIF